The following is an entry in ClinVar:

ClinVar aggregate classification (germline): Likely benign (1 of 4 stars; one submission).

gnomAD v4.1: 2,420 of 1,614,188 alleles (0.15%); highest among the groups gnomAD compares: Non-Finnish European, 0.19%; 4 homozygotes.

Submissions (2):

CeGaT Center for Human Genetics Tuebingen
Classification: Likely benign. Last evaluated: 2024-10-01. Review status: criteria provided, single submitter. Criteria: CeGaT Center For Human Genetics Tuebingen Variant Classification Criteria Version 2. Collection method: clinical testing. Allele origin: germline. Affected: yes. Observed: 1 variant allele.
Comment: PTPRZ1: BP4

Dr. Peter K. Rogan Lab, Western University
No classification provided (evidence only). Condition: Colon adenocarcinoma. Review status: no classification provided. Collection method: in vitro. Allele origin: not applicable. Functional consequence: retained intron. Not counted in ClinVar's aggregate classification.

NM_002851.3(PTPRZ1):c.4319A>G (p.His1440Arg)

Gene: PTPRZ1 (protein tyrosine phosphatase receptor type Z1; plus strand). Cytogenetic location: 7q31.32.
Variant type: single nucleotide variant.
Coding change: c.4319A>G on transcript NM_002851.3 (MANE Select); coding-DNA position 4319, A replaced by G.
Protein change: p.His1440Arg; replaces histidine 1440 with arginine.
Molecular consequence: missense variant. On other transcripts: intron variant (2).
Genome position (GRCh38, 1-based): chr7:122,013,365, A>G. VCF-style: chr7-122013365-A-G. GRCh37 (hg19) VCF-style: chr7-121653419-A-G.
Other names: NC_000007.13:g.121653419A>G; c.4319A>G, p.His1440Arg (NM_001369395.1); c.4277A>G, p.His1426Arg (NM_001369396.1); c.2263+2056A>G (NM_001206838.2, NM_001206839.2); short protein forms H1426R, H1440R.
Identifiers: ClinVar variation 3388147 (VCV003388147.15).